The following is an entry in ClinVar:

NM_003000.3(SDHB):c.637dup (p.Met213fs)

Gene: SDHB (succinate dehydrogenase complex iron sulfur subunit B; minus strand). Cytogenetic location: 1p36.13.
Variant type: Duplication.
Coding change: c.637dup on transcript NM_003000.3 (MANE Select); coding-DNA position 637, one base duplicated (A; older notation c.637dupA).
Protein change: p.Met213fs; shifts the reading frame from methionine 213.
Molecular consequence: frameshift variant.
Genome position (GRCh38, 1-based): chr1:17,023,978, T duplicated on the plus strand (A on the coding strand, the reverse complement: SDHB is on the minus strand). VCF-style (leftmost placement, unchanged base first): chr1-17023977-A-AT. GRCh37 (hg19) VCF-style: chr1-17350472-A-AT.
Other names: c.583dup, p.Met195Asnfs (NM_001407361.1); short protein forms M213fs.
Identifiers: ClinVar variation 1916161 (VCV001916161.6), dbSNP rs2525008654, ClinGen allele CA2580060634.

ClinVar aggregate classification (germline): Pathogenic/Likely pathogenic. Review status: criteria provided, multiple submitters, no conflicts (2 of 4 stars). 2 submissions from 2 submitters: Pathogenic (1); Likely pathogenic (1). Last evaluated 2024-02-22.

Conditions:
Gastrointestinal stromal tumor. Also called: Gastrointestinal stromal tumor, somatic; Gastrointestinal stroma tumor. Identifiers: Orphanet 44890, MedGen C0238198, MeSH D046152, MONDO:0011719, OMIM 606764, HP:0100723.
Carney-Stratakis syndrome. Also called: PARAGANGLIOMA AND GASTROINTESTINAL STROMAL TUMOR. Identifiers: Orphanet 97286, MedGen C1847319, MONDO:0011740, OMIM 606864.
Pheochromocytoma/paraganglioma syndrome 4. Also called: SDHB-Related Hereditary Paraganglioma-Pheochromocytoma Syndrome (Paragangliomas 4); SDHB-Related Hereditary Paraganglioma-Pheochromocytoma Syndrome; CAROTID BODY TUMORS AND MULTIPLE EXTRAADRENAL PHEOCHROMOCYTOMAS; PARAGANGLIOMA, FAMILIAL MALIGNANT; PARAGANGLIOMAS, HEREDITARY EXTRAADRENAL; PHEOCHROMOCYTOMA, FAMILIAL EXTRAADRENAL. Identifiers: Orphanet 29072, MedGen C1861848, MONDO:0007273, OMIM 115310.
Mitochondrial complex 2 deficiency, nuclear type 4. Also called: MITOCHONDRIAL COMPLEX II DEFICIENCY, NUCLEAR TYPE 4. Identifiers: MedGen C5543176, MONDO:0030974, OMIM 619224.
Pheochromocytoma. Also called: MAX-Related Hereditary Paraganglioma-Pheochromocytoma Syndrome. Identifiers: Orphanet 29072, MedGen C0031511, MONDO:0008233, OMIM 171300, HP:0002666.

Submissions (2):

Fulgent Genetics
Classification: Likely pathogenic for Pheochromocytoma/paraganglioma syndrome 4; Gastrointestinal stromal tumor; Carney-Stratakis syndrome; Mitochondrial complex 2 deficiency, nuclear type 4. Last evaluated: 2024-02-22. Review status: criteria provided, single submitter. Criteria: ACMG Guidelines, 2015. Collection method: clinical testing. Allele origin: germline.

Labcorp Genetics (formerly Invitae), Labcorp
Classification: Pathogenic for Gastrointestinal stromal tumor; Pheochromocytoma/paraganglioma syndrome 4; Pheochromocytoma. Last evaluated: 2022-11-23. Review status: criteria provided, single submitter. Criteria: Invitae Variant Classification Sherloc (09022015). Collection method: clinical testing. Allele origin: germline.
Comment: This premature translational stop signal has been observed in individual(s) with paraganglioma (PMID: 31492822, 31666924). For these reasons, this variant has been classified as Pathogenic. This variant is not present in population databases (gnomAD no frequency). This sequence change creates a premature translational stop signal (p.Met213Asnfs*9) in the SDHB gene. It is expected to result in an absent or disrupted protein product. Loss-of-function variants in SDHB are known to be pathogenic (PMID: 19454582, 19802898).

Literature cited by the submitters: PubMed 31492822 (cited by Labcorp Genetics (formerly Invitae), Labcorp); PubMed 31666924 (cited by Labcorp Genetics (formerly Invitae), Labcorp); PubMed 19454582 (cited by Labcorp Genetics (formerly Invitae), Labcorp); PubMed 19802898 (cited by Labcorp Genetics (formerly Invitae), Labcorp).